The following is an entry in ClinVar:

NM_006245.4(PPP2R5D):c.1446T>G (p.Asp482Glu)

Gene: PPP2R5D (protein phosphatase 2 regulatory subunit B'delta; plus strand). Cytogenetic location: 6p21.1.
Variant type: single nucleotide variant.
Coding change: c.1446T>G on transcript NM_006245.4 (MANE Select); coding-DNA position 1446, T replaced by G.
Protein change: p.Asp482Glu; replaces aspartic acid 482 with glutamic acid.
Molecular consequence: missense variant.
Genome position (GRCh38, 1-based): chr6:43,010,534, T>G. VCF-style: chr6-43010534-T-G. GRCh37 (hg19) VCF-style: chr6-42978272-T-G.
Other names: c.993T>G, p.Asp331Glu (NM_001270476.2); c.1350T>G, p.Asp450Glu (NM_180976.3); c.1128T>G, p.Asp376Glu (NM_180977.3); short protein forms D331E, D376E, D450E, D482E.
Identifiers: ClinVar variation 4806457 (VCV004806457.1).
Genomic context (GRCh38, chr6:43,010,534, plus strand): 5'-CCATGGACTGATCTATAATGCCCTGAAGTTGTTTATGGAAATGAATCAGAAGCTGTTTGA[T>G]GACTGCACACAACAATACAAGGCAGAGAAGCAGAAGTGAGTATCTCTCTCCCCGGGAGAC-3'
Protein context (NP_006236.1, residues 472-492): LFMEMNQKLF[Asp482Glu]DCTQQYKAEK

ClinVar aggregate classification (germline): Uncertain significance (1 of 4 stars; one submission).

Submission:

Labcorp Genetics (formerly Invitae), Labcorp
Classification: Uncertain significance. Last evaluated: 2025-04-29. Review status: criteria provided, single submitter. Criteria: Invitae Variant Classification Sherloc (09022015). Collection method: clinical testing. Allele origin: germline.
Comment: This sequence change replaces aspartic acid, which is acidic and polar, with glutamic acid, which is acidic and polar, at codon 482 of the PPP2R5D protein (p.Asp482Glu). This variant is not present in population databases (gnomAD no frequency). This variant has not been reported in the literature in individuals affected with PPP2R5D-related conditions. An algorithm developed to predict the effect of missense changes on protein structure and function (PolyPhen-2) suggests that this variant is likely to be tolerated. In summary, the available evidence is currently insufficient to determine the role of this variant in disease. Therefore, it has been classified as a Variant of Uncertain Significance.